The following is an entry in ClinVar:

NM_020297.4(ABCC9):c.1151G>A (p.Arg384His)

Gene: ABCC9 (ATP binding cassette subfamily C member 9; minus strand). Cytogenetic location: 12p12.1.
Variant type: single nucleotide variant.
Coding change: c.1151G>A on transcript NM_020297.4 (MANE Select); coding-DNA position 1151, G replaced by A.
Protein change: p.Arg384His; replaces arginine 384 with histidine.
Molecular consequence: missense variant.
Genome position (GRCh38, 1-based): chr12:21,910,839, C>T on the plus strand (G>A on the coding strand, the complement: ABCC9 is on the minus strand). VCF-style: chr12-21910839-C-T. GRCh37 (hg19) VCF-style: chr12-22063773-C-T.
Other names: c.1151G>A, p.Arg384His (NM_001377273.1, NM_005691.4); c.287G>A, p.Arg96His (NM_001377274.1); short protein forms R384H, R96H.
Identifiers: ClinVar variation 1420435 (VCV001420435.8), dbSNP rs374574602, ClinGen allele CA6481726.
Genomic context (GRCh38, chr12:21,910,839, plus strand): 5'-TATATAGCATTCTTAGGAAACAAATAGTATTCACAGCCTTTACATACCAGCAGAGCTCCA[C>T]GGAGGTTAATGCCAGTCTCTATGGTTACATAGTAGGAAGCCTGCAAAAATGTCCTTTGCA-3'
Protein context (NP_064693.2, residues 374-394): YVTIETGINL[Arg384His]GALLAMIYNK

ClinVar aggregate classification (germline): Uncertain significance (1 of 4 stars; one submission).

Conditions:
Dilated cardiomyopathy 1O (CMD1O). Also called: CARDIOMYOPATHY, DILATED, WITH VENTRICULAR TACHYCARDIA. Identifiers: Orphanet 154, MedGen C1837839, MONDO:0012062, OMIM 608569.

Allele frequency attached by ClinVar (database versions not stated): gnomAD 0.00001; gnomAD exomes 0.00001 and 0.00002; TOPMed 0.00001; ExAC 0.00002; ESP Exome Variant Server 0.00008; 1000 Genomes Project 0.00020; 1000 Genomes Project 30x 0.00031.
gnomAD v4.1: 17 of 1,611,932 alleles (0.0011%); highest among the groups gnomAD compares: South Asian, 0.0022%; no homozygotes.

Submission:

Labcorp Genetics (formerly Invitae), Labcorp
Classification: Uncertain significance for Dilated cardiomyopathy 1O. Last evaluated: 2024-09-06. Review status: criteria provided, single submitter. Criteria: Invitae Variant Classification Sherloc (09022015). Collection method: clinical testing. Allele origin: germline.
Comment: This sequence change replaces arginine, which is basic and polar, with histidine, which is basic and polar, at codon 384 of the ABCC9 protein (p.Arg384His). This variant is present in population databases (rs374574602, gnomAD 0.03%). This variant has not been reported in the literature in individuals affected with ABCC9-related conditions. ClinVar contains an entry for this variant (Variation ID: 1420435). Invitae Evidence Modeling of protein sequence and biophysical properties (such as structural, functional, and spatial information, amino acid conservation, physicochemical variation, residue mobility, and thermodynamic stability) indicates that this missense variant is expected to disrupt ABCC9 protein function with a positive predictive value of 80%. In summary, the available evidence is currently insufficient to determine the role of this variant in disease. Therefore, it has been classified as a Variant of Uncertain Significance.